The following is an entry in ClinVar:

NM_000540.3(RYR1):c.7863_7864delinsTG (p.Leu2622Val)

Gene: RYR1 (ryanodine receptor 1; plus strand). Cytogenetic location: 19q13.2.
Variant type: Indel.
Coding change: c.7863_7864delinsTG on transcript NM_000540.3 (MANE Select); coding-DNA positions 7863 to 7864, CC replaced by TG.
Protein change: p.Leu2622Val; replaces leucine 2622 with valine.
Molecular consequence: missense variant.
Genome position (GRCh38, 1-based): chr19:38,502,907-38,502,908, CC replaced by TG. VCF-style: chr19-38502907-CC-TG. GRCh37 (hg19) VCF-style: chr19-38993547-CC-TG.
Other names: c.7863_7864delinsTG, p.Leu2622Val (NM_001042723.2); short protein forms L2622V.
Identifiers: ClinVar variation 4758093 (VCV004758093.1).
Genomic context (GRCh38, chr19:38,502,907, plus strand): 5'-GGGGGATTCTACATCTTGTGCATTGTCCCGCAGGTACATCCGCCCGTCGATGCTGCAGCA[CC>TG]TGTTGCGCCGCCTGGTGTTCGACGTGCCCATCCTCAACGAGTTCGCCAAGATGCCACTCA-3'
Protein context (NP_000531.2, residues 2612-2632): RYIRPSMLQH[Leu2622Val]LRRLVFDVPI

ClinVar aggregate classification (germline): Uncertain significance (1 of 4 stars; one submission).

Conditions:
Malignant hyperthermia, susceptibility to, 1 (MHS1). Also called: RYR1-Related Malignant Hyperthermia Susceptibility; Malignant hyperthermia suceptibility 1; Anesthesia related hyperthermia; Malignant hyperpyrexia; Fulminating hyperpyrexia; Pharmacogenic myopathy. Identifiers: Orphanet 423, MedGen C2930980, MONDO:0007783, OMIM 145600.

Submission:

Color Diagnostics, LLC DBA Color Health
Classification: Uncertain significance for Malignant hyperthermia, susceptibility to, 1. Last evaluated: 2025-09-29. Review status: criteria provided, single submitter. Criteria: ACMG Guidelines, 2015. Collection method: clinical testing. Allele origin: germline.
Comment: This missense variant replaces leucine with valine at codon 2622 of the RYR1 protein. Computational prediction suggests that this variant may not impact protein structure and function. To our knowledge, functional studies have not been reported for this variant. This variant has not been reported in individuals affected with RYR1-related disorders in the literature. This variant has not been identified in the general population by the Genome Aggregation Database (gnomAD). The available evidence is insufficient to determine the role of this variant in disease conclusively. Therefore, this variant is classified as a Variant of Uncertain Significance.